The following is an entry in ClinVar:

NM_001127222.2(CACNA1A):c.7407C>T (p.Gly2469=)

Gene: CACNA1A (calcium voltage-gated channel subunit alpha1 A; minus strand). Cytogenetic location: 19p13.13.
Variant type: single nucleotide variant.
Coding change: c.7407C>T on transcript NM_001127222.2 (MANE Select); coding-DNA position 7407, C replaced by T.
Protein change: p.Gly2469=; no amino-acid change (glycine 2469 retained).
Molecular consequence: synonymous variant. On other transcripts: 3 prime UTR variant (3).
Genome position (GRCh38, 1-based): chr19:13,207,427, G>A on the plus strand (C>T on the coding strand, the complement: CACNA1A is on the minus strand). VCF-style: chr19-13207427-G-A. GRCh37 (hg19) VCF-style: chr19-13318241-G-A.
Other names: c.*619C>T (NM_000068.4, NM_001127221.2, NM_001174080.2); c.7425C>T, p.Gly2475= (NM_023035.3).
Identifiers: ClinVar variation 4535382 (VCV004535382.6).
Genomic context (GRCh38, chr19:13,207,427, plus strand): 5'-GCCCGGCCCGCGGGGCCTGGCCAGTCCGTGCGCCGGGTAGTAGCCGTTGGGGAGTCGCCG[G>A]CCGTGCCGAGAAGGCGAGGCGCAGGCCGGGCCCGAGGCCCGGGGAGTCCTGGGCGAGCGC-3'
Protein context (NP_001120694.1, residues 2459-2479): GPACASPSRH[Gly2469=]RRLPNGYYPA

ClinVar aggregate classification (germline): Likely benign (1 of 4 stars; one submission).

gnomAD v4.1: 2 of 1,523,732 alleles (0.00013%); highest among the groups gnomAD compares: Non-Finnish European, 0.00018%; no homozygotes.

Submission:

CeGaT Center for Human Genetics Tuebingen
Classification: Likely benign. Last evaluated: 2025-11-01. Review status: criteria provided, single submitter. Criteria: CeGaT Center For Human Genetics Tuebingen Variant Classification Criteria Version 2. Collection method: clinical testing. Allele origin: germline. Affected: yes. Observed: 1 variant allele.
Comment: CACNA1A: BP4, BP7